The following is an entry in ClinVar:

NM_001130823.3(DNMT1):c.4112C>T (p.Thr1371Ile)

Gene: DNMT1 (DNA methyltransferase 1; minus strand). Cytogenetic location: 19p13.2.
Variant type: single nucleotide variant.
Coding change: c.4112C>T on transcript NM_001130823.3 (MANE Select); coding-DNA position 4112, C replaced by T.
Protein change: p.Thr1371Ile; replaces threonine 1371 with isoleucine.
Molecular consequence: missense variant.
Genome position (GRCh38, 1-based): chr19:10,138,442, G>A on the plus strand (C>T on the coding strand, the complement: DNMT1 is on the minus strand). VCF-style: chr19-10138442-G-A. GRCh37 (hg19) VCF-style: chr19-10249118-G-A.
Other names: c.4064C>T, p.Thr1355Ile (NM_001318730.2, NM_001379.4); c.3749C>T, p.Thr1250Ile (NM_001318731.2); short protein forms T1250I, T1355I, T1371I.
Identifiers: ClinVar variation 4072443 (VCV004072443.2).
Genomic context (GRCh38, chr19:10,138,442, plus strand): 5'-CCATGAGCTACTGAGGCCTGCTCGGCAGTGTGTGGAGGAGCGACGGGGGCCACCTACCTG[G>A]TTATGTTGCTCACAAACTTCTTGTCATCCACCACCACGCTCAGCTGGCAGGCCCGGGGAG-3'
Protein context (NP_001124295.1, residues 1361-1381): VDDKKFVSNI[Thr1371Ile]RLSSGPFRTI

ClinVar aggregate classification (germline): Uncertain significance (1 of 4 stars; one submission).

gnomAD v4.1: 1 of 1,613,986 alleles (0.000062%); highest among the groups gnomAD compares: Non-Finnish European, 0.000085%; no homozygotes.

Submission:

GeneDx
Classification: Uncertain significance. Last evaluated: 2026-05-28. Review status: criteria provided, single submitter. Criteria: GeneDx Variant Classification Process June 2021. Collection method: clinical testing. Allele origin: germline.
Comment: Not observed at significant frequency in large population cohorts (gnomAD); In silico analysis suggests that this missense variant does not alter protein structure/function; Has not been previously published as pathogenic or benign to our knowledge